The following is an entry in ClinVar:

NM_004990.4(MARS1):c.1995T>C (p.Phe665=)

Gene: MARS1 (methionyl-tRNA synthetase 1; plus strand). Cytogenetic location: 12q13.3.
Variant type: single nucleotide variant.
Coding change: c.1995T>C on transcript NM_004990.4 (MANE Select); coding-DNA position 1995, T replaced by C.
Protein change: p.Phe665=; no amino-acid change (phenylalanine 665 retained).
Molecular consequence: synonymous variant.
Genome position (GRCh38, 1-based): chr12:57,514,747, T>C. VCF-style: chr12-57514747-T-C. GRCh37 (hg19) VCF-style: chr12-57908530-T-C.
Identifiers: ClinVar variation 511490 (VCV000511490.12), dbSNP rs1034831965, ClinGen allele CA237771922.
Genomic context (GRCh38, chr12:57,514,747, plus strand): 5'-TTTTCCACTTCTGCTTTCCTACTCCCAACCAAGAGCTGGGATGTTTGTGTCTAAGTTCTT[T>C]GGGGGCTATGTGCCTGAGATGGTGCTCACCCCTGATGATCAGCGCCTGCTGGCCCATGTC-3'
Protein context (NP_004981.2, residues 655-675): NRAGMFVSKF[Phe665=]GGYVPEMVLT

ClinVar aggregate classification (germline): Likely benign. Review status: criteria provided, multiple submitters, no conflicts (2 of 4 stars). 4 submissions from 4 submitters: Likely benign (4). Last evaluated 2026-04-07.

Conditions:
Severe early-onset pulmonary alveolar proteinosis due to MARS deficiency. Also called: PULMONARY ALVEOLAR PROTEINOSIS, REUNION ISLAND; Interstitial lung and liver disease. Identifiers: Orphanet 440427, MedGen C4225400, MONDO:0014206, OMIM 615486.
Charcot-Marie-Tooth disease axonal type 2U. Also called: CHARCOT-MARIE-TOOTH NEUROPATHY, TYPE 2U; CHARCOT-MARIE-TOOTH DISEASE, AXONAL, AUTOSOMAL DOMINANT, TYPE 2U. Identifiers: Orphanet 397735, MedGen C4084821, MONDO:0014566, OMIM 616280.
MARS1-related disorder. Also called: MARS1-related condition.

Allele frequency attached by ClinVar (database versions not stated): gnomAD exomes below 0.00001; gnomAD 0.00005 and 0.00006; TOPMed 0.00012.
gnomAD v4.1: 25 of 1,614,080 alleles (0.0015%); highest among the groups gnomAD compares: Admixed American, 0.01%; no homozygotes.

Submissions (4):

PreventionGenetics, part of Exact Sciences
Classification: Likely benign for MARS1-related condition. Last evaluated: 2026-04-07. Review status: criteria provided, single submitter. Criteria: ACMG Guidelines, 2015. Collection method: clinical testing. Allele origin: germline.
Comment: This variant is classified as likely benign based on ACMG/AMP sequence variant interpretation guidelines (Richards et al. 2015 PMID: 25741868, with internal and published modifications).

Labcorp Genetics (formerly Invitae), Labcorp
Classification: Likely benign for Charcot-Marie-Tooth disease axonal type 2U; Severe early-onset pulmonary alveolar proteinosis due to MARS deficiency. Last evaluated: 2025-12-16. Review status: criteria provided, single submitter. Criteria: Invitae Variant Classification Sherloc (09022015). Collection method: clinical testing. Allele origin: germline.

Ambry Genetics
Classification: Likely benign. Last evaluated: 2019-07-11. Review status: criteria provided, single submitter. Criteria: Ambry Variant Classification Scheme 2023. Collection method: clinical testing. Allele origin: germline.

GeneDx
Classification: Likely benign. Last evaluated: 2017-08-31. Review status: criteria provided, single submitter. Criteria: GeneDx Variant Classification (06012015). Collection method: clinical testing. Allele origin: germline. Affected: yes.
Comment: This variant is considered likely benign or benign based on one or more of the following criteria: it is a conservative change, it occurs at a poorly conserved position in the protein, it is predicted to be benign by multiple in silico algorithms, and/or has population frequency not consistent with disease.